The following is an entry in ClinVar:

ClinVar aggregate classification (germline): Uncertain significance (1 of 4 stars; one submission).

Conditions:
Cerebral folate transport deficiency. Also called: Neurodegenerative syndrome due to cerebral folate transport deficiency; Cerebral folate deficiency syndrome; FOLATE RECEPTOR DEFICIENCY; NEURODEGENERATION DUE TO CEREBRAL FOLATE TRANSPORT DEFICIENCY; FOLR1-Related Cerebral Folate Transport Deficiency. Identifiers: Orphanet 217382, MedGen C2751584, MONDO:0013110, OMIM 613068. Disease mechanism: loss of function.

Allele frequency attached by ClinVar (database versions not stated): gnomAD exomes below 0.00001; TOPMed below 0.00001.

Submission:

Labcorp Genetics (formerly Invitae), Labcorp
Classification: Uncertain significance for Cerebral folate transport deficiency. Last evaluated: 2022-07-15. Review status: criteria provided, single submitter. Criteria: Invitae Variant Classification Sherloc (09022015). Collection method: clinical testing. Allele origin: germline.
Comment: In summary, the available evidence is currently insufficient to determine the role of this variant in disease. Therefore, it has been classified as a Variant of Uncertain Significance. This sequence change replaces proline, which is neutral and non-polar, with serine, which is neutral and polar, at codon 216 of the FOLR1 protein (p.Pro216Ser). This variant is not present in population databases (gnomAD no frequency). This variant has not been reported in the literature in individuals affected with FOLR1-related conditions. Algorithms developed to predict the effect of missense changes on protein structure and function (SIFT, PolyPhen-2, Align-GVGD) all suggest that this variant is likely to be tolerated.

NM_016729.3(FOLR1):c.646C>T (p.Pro216Ser)

Genes: FOLR1 (folate receptor alpha; plus strand), FOLR1-AS1 (FOLR1 antisense RNA 1; minus strand). Cytogenetic location: 11q13.4.
Variant type: single nucleotide variant.
Coding change: c.646C>T on transcript NM_016729.3 (MANE Select); coding-DNA position 646, C replaced by T.
Protein change: p.Pro216Ser; replaces proline 216 with serine.
Molecular consequence: missense variant.
Genome position (GRCh38, 1-based): chr11:72,196,049, C>T. VCF-style: chr11-72196049-C-T. GRCh37 (hg19) VCF-style: chr11-71907093-C-T.
Other names: c.646C>T, p.Pro216Ser (NM_000802.3, NM_016724.3, NM_016725.3 and 1 more transcripts); short protein forms P216S.
Identifiers: ClinVar variation 2169448 (VCV002169448.4), dbSNP rs1948228948, ClinGen allele CA381734753.